The following is an entry in ClinVar:

ClinVar aggregate classification (germline): Uncertain significance (1 of 4 stars; one submission).

Conditions:
Joubert syndrome. Also called: Familial aplasia of the vermis; CEREBELLOPARENCHYMAL DISORDER IV; JOUBERT-BOLTSHAUSER SYNDROME. Identifiers: Orphanet 475, MedGen C5979921, MONDO:0018772.

Allele frequency attached by ClinVar (database versions not stated): gnomAD exomes below 0.00001; TOPMed below 0.00001.
gnomAD v4.1: 1 of 1,610,336 alleles (0.000062%); highest among the groups gnomAD compares: Non-Finnish European, 0.000085%; no homozygotes.

Submission:

Labcorp Genetics (formerly Invitae), Labcorp
Classification: Uncertain significance for Joubert syndrome. Last evaluated: 2020-08-08. Review status: criteria provided, single submitter. Criteria: Invitae Variant Classification Sherloc (09022015). Collection method: clinical testing. Allele origin: germline.
Comment: In summary, the available evidence is currently insufficient to determine the role of this variant in disease. Therefore, it has been classified as a Variant of Uncertain Significance. Advanced modeling of protein sequence and biophysical properties (such as structural, functional, and spatial information, amino acid conservation, physicochemical variation, residue mobility, and thermodynamic stability) performed at Invitae indicates that this missense variant is not expected to disrupt AHI1 protein function. This variant has not been reported in the literature in individuals with AHI1-related conditions. This variant is not present in population databases (ExAC no frequency). This sequence change replaces threonine with alanine at codon 1036 of the AHI1 protein (p.Thr1036Ala). The threonine residue is moderately conserved and there is a small physicochemical difference between threonine and alanine.

NM_001134831.2(AHI1):c.3106A>G (p.Thr1036Ala)

Gene: AHI1 (Abelson helper integration site 1; minus strand). Cytogenetic location: 6q23.3.
Variant type: single nucleotide variant.
Coding change: c.3106A>G on transcript NM_001134831.2 (MANE Select); coding-DNA position 3106, A replaced by G.
Protein change: p.Thr1036Ala; replaces threonine 1036 with alanine.
Molecular consequence: missense variant.
Genome position (GRCh38, 1-based): chr6:135,394,779, T>C on the plus strand (A>G on the coding strand, the complement: AHI1 is on the minus strand). VCF-style: chr6-135394779-T-C. GRCh37 (hg19) VCF-style: chr6-135715917-T-C.
Other names: c.3106A>G, p.Thr1036Ala (NM_001134830.2, NM_001134832.2, NM_001350503.2 and 2 more transcripts); short protein forms T1036A.
Identifiers: ClinVar variation 1055585 (VCV001055585.9), dbSNP rs1455353901, ClinGen allele CA365843527.